The following is an entry in ClinVar:

ClinVar aggregate classification (germline): Uncertain significance (1 of 4 stars; one submission).

Submission:

Labcorp Genetics (formerly Invitae), Labcorp
Classification: Uncertain significance. Last evaluated: 2022-04-24. Review status: criteria provided, single submitter. Criteria: Invitae Variant Classification Sherloc (09022015). Collection method: clinical testing. Allele origin: germline.
Comment: In summary, the available evidence is currently insufficient to determine the role of this variant in disease. Therefore, it has been classified as a Variant of Uncertain Significance. This sequence change replaces arginine, which is basic and polar, with tryptophan, which is neutral and slightly polar, at codon 29 of the TMEM107 protein (p.Arg29Trp). This variant is not present in population databases (gnomAD no frequency). This variant has not been reported in the literature in individuals affected with TMEM107-related conditions. Algorithms developed to predict the effect of missense changes on protein structure and function (SIFT, PolyPhen-2, Align-GVGD) all suggest that this variant is likely to be disruptive.

NM_183065.4(TMEM107):c.85C>T (p.Arg29Trp)

Genes: TMEM107 (transmembrane protein 107; minus strand), LOC105371520 (uncharacterized LOC105371520; plus strand). Cytogenetic location: 17p13.1.
Variant type: single nucleotide variant.
Coding change: c.85C>T on transcript NM_183065.4 (MANE Select); coding-DNA position 85, C replaced by T.
Protein change: p.Arg29Trp; replaces arginine 29 with tryptophan.
Molecular consequence: missense variant. On other transcripts: non-coding transcript variant (1).
Genome position (GRCh38, 1-based): chr17:8,176,202, G>A on the plus strand (C>T on the coding strand, the complement: TMEM107 is on the minus strand). VCF-style: chr17-8176202-G-A. GRCh37 (hg19) VCF-style: chr17-8079520-G-A.
Other names: c.85C>T, p.Arg29Trp (NM_001351278.2, NM_001351279.2, NM_001351280.2 and 1 more transcripts); short protein forms R29W.
Identifiers: ClinVar variation 2130258 (VCV002130258.4), dbSNP rs553369646, ClinGen allele CA397972159.